The following is an entry in ClinVar:

NM_001349338.3(FOXP1):c.664+13_664+26del

Gene: FOXP1 (forkhead box P1; minus strand). Cytogenetic location: 3p13.
Variant type: Deletion.
Coding change: c.664+13_664+26del on transcript NM_001349338.3 (MANE Select); bases 13 to 26 of the intron after coding-DNA position 664, 14 bases deleted (TTTACAGAAGGCAT).
Molecular consequence: intron variant.
Genome position (GRCh38, 1-based): chr3:71,046,916-71,046,929, ATGCCTTCTGTAAA deleted on the plus strand (TTTACAGAAGGCAT on the coding strand, the reverse complement: FOXP1 is on the minus strand); deleting any 14 consecutive bases within chr3:71,046,916-71,046,931 gives the same sequence; the c. name uses the placement nearest the transcript's 3' end. VCF-style (leftmost placement, unchanged base first): chr3-71046915-TATGCCTTCTGTAAA-T. GRCh37 (hg19) VCF-style: chr3-71096066-TATGCCTTCTGTAAA-T.
Other names: c.664+13_664+26del (NM_001244810.2, NM_032682.6, NM_001349340.3 and 3 more transcripts); c.661+13_661+26del (NM_001349341.3); c.436+13_436+26del (NM_001244812.3); c.361+13_361+26del (NM_001349343.3, NM_001349337.2, NM_001349344.3); c.364+13_364+26del (NM_001349342.3, NM_001370548.1, NM_001244815.2 and 1 more transcripts).
Identifiers: ClinVar variation 4732588 (VCV004732588.1).
Genomic context (GRCh38, chr3:71,046,915, plus strand): 5'-TGTCCTTAACAAATATACCAAGAGACAACCCACCACCTCCACCCAAAGTCTTCACAGAGC[TATGCCTTCTGTAAA>T]ATCAACGCATACCTTGAGCAAGAGGTTGAAGGGGAAGGGCAGGCTGCCCGGGCTGAATTG-3'

ClinVar aggregate classification (germline): Uncertain significance (1 of 4 stars; one submission).

Submission:

Labcorp Genetics (formerly Invitae), Labcorp
Classification: Uncertain significance. Last evaluated: 2025-12-05. Review status: criteria provided, single submitter. Criteria: Invitae Variant Classification Sherloc (09022015). Collection method: clinical testing. Allele origin: germline.
Comment: This sequence change falls in intron 10 of the FOXP1 gene. It does not directly change the encoded amino acid sequence of the FOXP1 protein. This variant is not present in population databases (gnomAD no frequency). This variant has not been reported in the literature in individuals affected with FOXP1-related conditions. Experimental studies and prediction algorithms are not available or were not evaluated, and the effect of this variant on mRNA splicing is currently unknown. In summary, the available evidence is currently insufficient to determine the role of this variant in disease. Therefore, it has been classified as a Variant of Uncertain Significance.